The following is an entry in ClinVar:

ClinVar aggregate classification (germline): Uncertain significance (1 of 4 stars; one submission).

Submission:

GeneDx
Classification: Uncertain significance. Last evaluated: 2024-05-09. Review status: criteria provided, single submitter. Criteria: GeneDx Variant Classification Process June 2021. Collection method: clinical testing. Allele origin: germline. Affected: yes.
Comment: Not observed at significant frequency in large population cohorts (gnomAD); In silico analysis indicates that this missense variant does not alter protein structure/function; Has not been previously published as pathogenic or benign to our knowledge

NM_013275.6(ANKRD11):c.4061C>T (p.Ser1354Leu)

Gene: ANKRD11 (ankyrin repeat domain containing 11; minus strand). Cytogenetic location: 16q24.3.
Variant type: single nucleotide variant.
Coding change: c.4061C>T on transcript NM_013275.6 (MANE Select); coding-DNA position 4061, C replaced by T.
Protein change: p.Ser1354Leu; replaces serine 1354 with leucine.
Molecular consequence: missense variant.
Genome position (GRCh38, 1-based): chr16:89,282,481, G>A on the plus strand (C>T on the coding strand, the complement: ANKRD11 is on the minus strand). VCF-style: chr16-89282481-G-A. GRCh37 (hg19) VCF-style: chr16-89348889-G-A.
Other names: c.4061C>T, p.Ser1354Leu (NM_001256182.2, NM_001256183.2); short protein forms S1354L.
Identifiers: ClinVar variation 3383526 (VCV003383526.1).
Genomic context (GRCh38, chr16:89,282,481, plus strand): 5'-TTCTTCTCGGCCTTCTCTTTCTTGGCTCGCTCTCGGTCGTGGCTCTTCTTGGATGAAGAT[G>A]AGGAGTGTCTGTGCCTCTCCTTCTCTTTCAGCTTCTCAGGGAGGCAGGCGCTCTCCCTCG-3'
Protein context (NP_037407.4, residues 1344-1364): LKEKERHRHS[Ser1354Leu]SSSKKSHDRE